The following is an entry in ClinVar:

ClinVar aggregate classification (germline): Uncertain significance. Review status: criteria provided, multiple submitters, no conflicts (2 of 4 stars). 2 submissions from 2 submitters: Uncertain significance (2). Last evaluated 2024-02-06.

Conditions:
Inborn genetic diseases. Identifiers: MedGen C0950123, MeSH D030342.

Allele frequency attached by ClinVar (database versions not stated): TOPMed 0.00001; ExAC 0.00002; gnomAD 0.00003; gnomAD exomes 0.00003.
gnomAD v4.1: 48 of 1,613,872 alleles (0.003%); highest among the groups gnomAD compares: Non-Finnish European, 0.0025%; no homozygotes.

Submissions (2):

Ambry Genetics
Classification: Uncertain significance for Inborn genetic diseases. Last evaluated: 2024-02-06. Review status: criteria provided, single submitter. Criteria: Ambry Variant Classification Scheme 2023. Collection method: clinical testing. Allele origin: germline.

Labcorp Genetics (formerly Invitae), Labcorp
Classification: Uncertain significance. Last evaluated: 2022-10-27. Review status: criteria provided, single submitter. Criteria: Invitae Variant Classification Sherloc (09022015). Collection method: clinical testing. Allele origin: germline.
Comment: This sequence change replaces arginine, which is basic and polar, with cysteine, which is neutral and slightly polar, at codon 476 of the SMARCD2 protein (p.Arg476Cys). This variant is present in population databases (rs777611849, gnomAD 0.05%). This variant has not been reported in the literature in individuals affected with SMARCD2-related conditions. Algorithms developed to predict the effect of missense changes on protein structure and function are either unavailable or do not agree on the potential impact of this missense change (SIFT: "Deleterious"; PolyPhen-2: "Benign"; Align-GVGD: "Class C0"). In summary, the available evidence is currently insufficient to determine the role of this variant in disease. Therefore, it has been classified as a Variant of Uncertain Significance.

NM_001098426.2(SMARCD2):c.1426C>T (p.Arg476Cys)

Gene: SMARCD2 (SWI/SNF related BAF chromatin remodeling complex subunit D2; minus strand). Cytogenetic location: 17q23.3.
Variant type: single nucleotide variant.
Coding change: c.1426C>T on transcript NM_001098426.2 (MANE Select); coding-DNA position 1426, C replaced by T.
Protein change: p.Arg476Cys; replaces arginine 476 with cysteine.
Molecular consequence: missense variant.
Genome position (GRCh38, 1-based): chr17:63,833,312, G>A on the plus strand (C>T on the coding strand, the complement: SMARCD2 is on the minus strand). VCF-style: chr17-63833312-G-A. GRCh37 (hg19) VCF-style: chr17-61910672-G-A.
Other names: c.1201C>T, p.Arg401Cys (NM_001330439.1); c.1282C>T, p.Arg428Cys (NM_001330440.2); c.1426C>T (NM_001098426.1); short protein forms R428C, R476C, R401C.
Identifiers: ClinVar variation 2200697 (VCV002200697.2), dbSNP rs777611849, ClinGen allele CA8706212.
Genomic context (GRCh38, chr17:63,833,312, plus strand): 5'-CACCCAGAGCTTTACATAGGAGTCCCCTCGGGAAAGAGGACTACACCTTGAGGTCTCGGC[G>A]CTGGGAACGGAGCCATTCCTGGATGAAGTCCTGGGGGTCGGTGCTAAAACTGAGCATGAA-3'
Protein context (NP_001091896.1, residues 466-486): DFIQEWLRSQ[Arg476Cys]RDLKIITDVI